The following is an entry in ClinVar:

ClinVar aggregate classification (germline): Pathogenic (1 of 4 stars; one submission).

Conditions:
Autosomal dominant non-syndromic intellectual disability. Identifiers: Orphanet 178469, MedGen C5680502, MONDO:0015802.

Submission:

Department of Human Genetics, University Hospital Bern, Inselspital
Classification: Pathogenic for Autosomal dominant non-syndromic intellectual disability. Last evaluated: 2026-05-03. Review status: criteria provided, single submitter. Criteria: ACMG Guidelines, 2015. Collection method: research. Allele origin: de novo. Affected: yes.
Comment: The variant leads to an early stop codon likely resulting in nonsense-mediated mRNA decay. The variant was shown to have occurred de novo and is absent from gnomAD v4.1.0. In summary, criteria PVS1, PS2_Supporting and PM2_Supporting were used.

Literature cited by the submitters: PubMed 42509346.

NM_001256627.2(BRSK2):c.1620_1621del (p.Asp540fs)

Gene: BRSK2 (BR serine/threonine kinase 2; plus strand). Cytogenetic location: 11p15.5.
Variant type: Deletion.
Coding change: c.1620_1621del on transcript NM_001256627.2 (MANE Select); coding-DNA positions 1620 to 1621, 2 bases deleted (CA; older notation c.1620_1621delCA).
Protein change: p.Asp540fs; shifts the reading frame from aspartic acid 540.
Molecular consequence: frameshift variant. On other transcripts: non-coding transcript variant (1).
Genome position (GRCh38, 1-based): chr11:1,454,560-1,454,561, CA deleted; deleting any 2 consecutive bases within chr11:1,454,559-1,454,561 gives the same sequence; the c. name uses the placement nearest the transcript's 3' end. VCF-style (leftmost placement, unchanged base first): chr11-1454558-GAC-G. GRCh37 (hg19) VCF-style: chr11-1475788-GAC-G.
Other names: c.1620_1621del, p.Asp540fs (NM_003957.4, NM_001256629.2); c.1758_1759del, p.Asp586fs (NM_001256630.1, NM_001440667.1); c.1440_1441del, p.Asp480fs (NM_001282218.2, NM_001440669.1, NM_001440673.1 and 3 more transcripts); c.2052_2053del, p.Asp684fs (NM_001440665.1); c.1986_1987del, p.Asp662fs (NM_001440666.1); c.1686_1687del, p.Asp562fs (NM_001440668.1, NM_001440670.1); c.1506_1507del, p.Asp502fs (NM_001440671.1, NM_001440672.1); short protein forms D480fs, D502fs, D540fs, D562fs, D586fs, D662fs, D684fs.
Identifiers: ClinVar variation 4849544 (VCV004849544.1).